The following is an entry in ClinVar:

NM_004385.5(VCAN):c.8519A>G (p.His2840Arg)

Genes: VCAN (versican; plus strand), VCAN-AS1 (VCAN antisense RNA 1; minus strand). Cytogenetic location: 5q14.3.
Variant type: single nucleotide variant.
Coding change: c.8519A>G on transcript NM_004385.5 (MANE Select); coding-DNA position 8519, A replaced by G.
Protein change: p.His2840Arg; replaces histidine 2840 with arginine.
Molecular consequence: missense variant. On other transcripts: intron variant (2).
Genome position (GRCh38, 1-based): chr5:83,541,522, A>G. VCF-style: chr5-83541522-A-G. GRCh37 (hg19) VCF-style: chr5-82837341-A-G.
Other names: c.5558A>G, p.His1853Arg (NM_001164097.2); c.4004-4015A>G (NM_001164098.2); c.1043-4015A>G (NM_001126336.3); short protein forms H1853R, H2840R.
Identifiers: ClinVar variation 2246998 (VCV002246998.29), dbSNP rs751319175, ClinGen allele CA3333820.

ClinVar aggregate classification (germline): Uncertain significance. Review status: criteria provided, multiple submitters, no conflicts (2 of 4 stars). 3 submissions from 3 submitters: Uncertain significance (3). Last evaluated 2024-01-08.

Conditions:
Inborn genetic diseases. Identifiers: MedGen C0950123, MeSH D030342.

Allele frequency attached by ClinVar (database versions not stated): TOPMed 0.00001.
gnomAD v4.1: 10 of 1,613,986 alleles (0.00062%); highest among the groups gnomAD compares: Middle Eastern, 0.033%; no homozygotes.

Submissions (3):

Labcorp Genetics (formerly Invitae), Labcorp
Classification: Uncertain significance. Last evaluated: 2024-01-08. Review status: criteria provided, single submitter. Criteria: Invitae Variant Classification Sherloc (09022015). Collection method: clinical testing. Allele origin: germline.
Comment: This sequence change replaces histidine, which is basic and polar, with arginine, which is basic and polar, at codon 2840 of the VCAN protein (p.His2840Arg). This variant is present in population databases (rs751319175, gnomAD 0.009%). This variant has not been reported in the literature in individuals affected with VCAN-related conditions. ClinVar contains an entry for this variant (Variation ID: 2246998). An algorithm developed to predict the effect of missense changes on protein structure and function (PolyPhen-2) suggests that this variant is likely to be tolerated. In summary, the available evidence is currently insufficient to determine the role of this variant in disease. Therefore, it has been classified as a Variant of Uncertain Significance.

CeGaT Center for Human Genetics Tuebingen
Classification: Uncertain significance. Last evaluated: 2022-11-01. Review status: criteria provided, single submitter. Criteria: CeGaT Center For Human Genetics Tuebingen Variant Classification Criteria Version 2. Collection method: clinical testing. Allele origin: germline. Affected: yes. Observed: 2 variant alleles.
Comment: VCAN: PM2, BP4

Ambry Genetics
Classification: Uncertain significance for Inborn genetic diseases. Last evaluated: 2021-08-28. Review status: criteria provided, single submitter. Criteria: Ambry Variant Classification Scheme 2023. Collection method: clinical testing. Allele origin: germline.